The following is an entry in ClinVar:

NM_153460.4(IL17RC):c.578-5C>A

Gene: IL17RC (interleukin 17 receptor C; plus strand). Cytogenetic location: 3p25.3.
Variant type: single nucleotide variant.
Coding change: c.578-5C>A on transcript NM_153460.4 (MANE Select); 5 bases into the intron before coding-DNA position 578, C replaced by A.
Molecular consequence: intron variant.
Genome position (GRCh38, 1-based): chr3:9,920,920, C>A. VCF-style: chr3-9920920-C-A. GRCh37 (hg19) VCF-style: chr3-9962604-C-A.
Other names: c.791-5C>A (NM_153461.4); c.578-5C>A (NM_001203263.2, NM_001203264.2, NM_001367278.1); c.577+318C>A (NM_032732.6, NM_001367280.1, NM_001203265.2); c.502+318C>A (NM_001367279.1).
Identifiers: ClinVar variation 853451 (VCV000853451.1), dbSNP rs776099209, ClinGen allele CA2246879.

ClinVar aggregate classification (germline): Uncertain significance (1 of 4 stars; one submission).

Conditions:
Candidiasis, familial, 9 (CANDF9). Identifiers: Orphanet 1334, MedGen C4225324, MONDO:0014642, OMIM 616445.

Allele frequency attached by ClinVar (database versions not stated): ExAC 0.00003.
gnomAD v4.1: 6 of 1,609,574 alleles (0.00037%); highest among the groups gnomAD compares: South Asian, 0.0067%; no homozygotes.

Submission:

Labcorp Genetics (formerly Invitae), Labcorp
Classification: Uncertain significance for Candidiasis, familial, 9. Last evaluated: 2019-12-31. Review status: criteria provided, single submitter. Criteria: Invitae Variant Classification Sherloc (09022015). Collection method: clinical testing. Allele origin: germline.
Comment: This sequence change falls in intron 6 of the IL17RC gene. It does not directly change the encoded amino acid sequence of the IL17RC protein. This variant is present in population databases (rs776099209, ExAC 0.01%). This variant has not been reported in the literature in individuals with IL17RC-related conditions. Algorithms developed to predict the effect of sequence changes on RNA splicing suggest that this variant may disrupt the consensus splice site, but this prediction has not been confirmed by published transcriptional studies. In summary, the available evidence is currently insufficient to determine the role of this variant in disease. Therefore, it has been classified as a Variant of Uncertain Significance.